The following is an entry in ClinVar:

NM_003982.4(SLC7A7):c.98T>C (p.Leu33Pro)

Genes: SLC7A7 (solute carrier family 7 member 7; minus strand), LOC130055323 (ATAC-STARR-seq lymphoblastoid silent region 5589; plus strand). Cytogenetic location: 14q11.2.
Variant type: single nucleotide variant.
Coding change: c.98T>C on transcript NM_003982.4 (MANE Select); coding-DNA position 98, T replaced by C.
Protein change: p.Leu33Pro; replaces leucine 33 with proline.
Molecular consequence: missense variant.
Genome position (GRCh38, 1-based): chr14:22,813,301, A>G on the plus strand (T>C on the coding strand, the complement: SLC7A7 is on the minus strand). VCF-style: chr14-22813301-A-G. GRCh37 (hg19) VCF-style: chr14-23282510-A-G.
Other names: c.98T>C, p.Leu33Pro (NM_001126105.3, NM_001126106.4); short protein forms L33P.
Identifiers: ClinVar variation 1348590 (VCV001348590.3), dbSNP rs1040738469, ClinGen allele CA388923034.

ClinVar aggregate classification (germline): Uncertain significance (1 of 4 stars; one submission).

Conditions:
Lysinuric protein intolerance (LPI). Identifiers: Orphanet 470, MedGen C0268647, MONDO:0009109, OMIM 222700.

Allele frequency attached by ClinVar (database versions not stated): gnomAD exomes below 0.00001.
gnomAD v4.1: 2 of 1,614,178 alleles (0.00012%); highest among the groups gnomAD compares: Admixed American, 0.0017%; no homozygotes.

Submission:

Labcorp Genetics (formerly Invitae), Labcorp
Classification: Uncertain significance for Lysinuric protein intolerance. Last evaluated: 2021-10-16. Review status: criteria provided, single submitter. Criteria: Invitae Variant Classification Sherloc (09022015). Collection method: clinical testing. Allele origin: germline.
Comment: This sequence change replaces leucine with proline at codon 33 of the SLC7A7 protein (p.Leu33Pro). The leucine residue is highly conserved and there is a moderate physicochemical difference between leucine and proline. This variant is not present in population databases (ExAC no frequency). This variant has not been reported in the literature in individuals with SLC7A7-related conditions. Algorithms developed to predict the effect of missense changes on protein structure and function are either unavailable or do not agree on the potential impact of this missense change (SIFT: "Deleterious"; PolyPhen-2: "Probably Damaging"; Align-GVGD: "Class C0"). In summary, the available evidence is currently insufficient to determine the role of this variant in disease. Therefore, it has been classified as a Variant of Uncertain Significance.